The following is an entry in ClinVar:

NM_000059.4(BRCA2):c.9206G>T (p.Cys3069Phe)

Gene: BRCA2 (BRCA2 DNA repair associated; plus strand). Cytogenetic location: 13q13.1.
Variant type: single nucleotide variant.
Coding change: c.9206G>T on transcript NM_000059.4 (MANE Select); coding-DNA position 9206, G replaced by T.
Protein change: p.Cys3069Phe; replaces cysteine 3069 with phenylalanine.
Molecular consequence: missense variant.
Genome position (GRCh38, 1-based): chr13:32,380,095, G>T. VCF-style: chr13-32380095-G-T. GRCh37 (hg19) VCF-style: chr13-32954232-G-T.
Other names: short protein forms C3069F.
Identifiers: ClinVar variation 141897 (VCV000141897.23), dbSNP rs587782091, ClinGen allele CA026032.
Genomic context (GRCh38, chr13:32,380,095, plus strand): 5'-ACCAGCCACGGGAGCCCCTTCACTTCAGCAAATTTTTAGATCCAGACTTTCAGCCATCTT[G>T]TTCTGAGGTGGACCTAATAGGATTTGTCGTTTCTGTTGTGAAAAAAACAGGTAATGCACA-3'
Protein context (NP_000050.3, residues 3059-3079): KFLDPDFQPS[Cys3069Phe]SEVDLIGFVV

ClinVar aggregate classification (germline): Conflicting classifications of pathogenicity. Review status: criteria provided, conflicting classifications (1 of 4 stars). 8 submissions from 8 submitters: Uncertain significance (7); Likely benign (1). Last evaluated 2025-08-03.

Conditions:
Hereditary cancer-predisposing syndrome. Also called: Neoplastic Syndromes, Hereditary; Hereditary Cancer Syndrome; Hereditary neoplastic syndrome; Tumor predisposition. Identifiers: Orphanet 140162, MedGen C0027672, MeSH D009386, MONDO:0015356.
Hereditary breast ovarian cancer syndrome. Also called: Hereditary breast and ovarian cancer syndrome; Hereditary breast and/or ovarian cancer syndrome; BRCA1- and BRCA2-Associated Hereditary Breast and Ovarian Cancer; Hereditary breast and ovarian cancer; Breast and ovarian cancer; Hereditary breast and ovarian cancer syndrome (HBOC). Identifiers: Orphanet 145, MedGen C0677776, MeSH D061325, MONDO:0003582. Disease mechanism: loss of function.
Breast-ovarian cancer, familial, susceptibility to, 2 (BROVCA2). Also called: BRCA2 Hereditary Breast and Ovarian Cancer. Identifiers: Orphanet 145, MedGen C2675520, MONDO:0012933, OMIM 612555. Disease mechanism: loss of function.
Familial cancer of breast. Also called: Hereditary breast cancer; hereditary breast carcinoma; BREAST CANCER, FAMILIAL. Identifiers: Orphanet 227535, MedGen C0346153, MONDO:0016419, OMIM 114480. Disease mechanism: loss of function.

Allele frequency attached by ClinVar (database versions not stated): gnomAD exomes below 0.00001; ExAC 0.00001.
gnomAD v4.1: 10 of 1,614,040 alleles (0.00062%); highest among the groups gnomAD compares: Non-Finnish European, 0.00085%; no homozygotes.

Submissions (8):

Labcorp Genetics (formerly Invitae), Labcorp
Classification: Uncertain significance for Hereditary breast ovarian cancer syndrome. Last evaluated: 2025-08-03. Review status: criteria provided, single submitter. Criteria: Invitae Variant Classification Sherloc (09022015). Collection method: clinical testing. Allele origin: germline.
Comment: This sequence change replaces cysteine, which is neutral and slightly polar, with phenylalanine, which is neutral and non-polar, at codon 3069 of the BRCA2 protein (p.Cys3069Phe). This variant is present in population databases (rs587782091, gnomAD 0.0009%). This missense change has been observed in individual(s) with breast cancer and/or clinical features of BRCA2-related conditions (PMID: 11802209, 34597585). This variant is also known as 9434G>T. ClinVar contains an entry for this variant (Variation ID: 141897). Invitae Evidence Modeling of protein sequence and biophysical properties (such as structural, functional, and spatial information, amino acid conservation, physicochemical variation, residue mobility, and thermodynamic stability) indicates that this missense variant is not expected to disrupt BRCA2 protein function with a negative predictive value of 95%. In summary, the available evidence is currently insufficient to determine the role of this variant in disease. Therefore, it has been classified as a Variant of Uncertain Significance.

Ambry Genetics
Classification: Likely benign for Hereditary cancer-predisposing syndrome. Last evaluated: 2025-05-15. Review status: criteria provided, single submitter. Criteria: Ambry Variant Classification Scheme 2023. Collection method: clinical testing. Allele origin: germline.

Color Diagnostics, LLC DBA Color Health
Classification: Uncertain significance for Hereditary cancer-predisposing syndrome. Last evaluated: 2024-06-27. Review status: criteria provided, single submitter. Criteria: ACMG Guidelines, 2015. Collection method: clinical testing. Allele origin: germline.
Comment: This missense variant replaces cysteine with phenylalanine at codon 3069 of the BRCA2 protein. Computational prediction is inconclusive regarding the impact of this variant on protein structure and function. To our knowledge, functional studies have not been reported for this variant. This variant has been reported in an individuals with a personal or family history of breast cancer (PMID: 11802209, 33471991Leiden Open Variation Database DB-ID BRCA2_008743). This variant has been reported in two multifactorial analyses with segregation and family history likelihood ratios for pathogenicity of 8.55366 and 1.06, respectively (PMID: 31131967) and pathology, segregation, and family history likelihood ratios for pathogenicity of 0.69, 0.0325, and 0.07, respectively (PMID: 34597585). This variant has been identified in 1/251286 chromosomes in the general population by the Genome Aggregation Database (gnomAD). The available evidence is insufficient to determine the role of this variant in disease conclusively. Therefore, this variant is classified as a Variant of Uncertain Significance.

Baylor Genetics
Classification: Uncertain significance for Familial cancer of breast. Last evaluated: 2024-01-23. Review status: criteria provided, single submitter. Criteria: ACMG Guidelines, 2015. Collection method: clinical testing. Allele origin: unknown.

All of Us Research Program, National Institutes of Health
Classification: Uncertain significance for Breast-ovarian cancer, familial, susceptibility to, 2. Last evaluated: 2023-04-27. Review status: criteria provided, single submitter. Criteria: ACMG Guidelines, 2015. Collection method: clinical testing. Allele origin: germline. Inheritance: Autosomal dominant inheritance. Observed: 1 variant allele, 1 heterozygote.
Comment: This study involves interpretation of variants in research participants for the purpose of population health screening. Participant phenotype was not available at the time of variant classification. Additional details can be found in publication PMID: 35346344, PMCID: PMC8962531

Sema4
Classification: Uncertain significance for Hereditary cancer-predisposing syndrome. Last evaluated: 2022-01-10. Review status: criteria provided, single submitter. Criteria: Sema4 Curation Guidelines. Collection method: curation. Allele origin: germline.
Comment: The BRCA2 c.9206G>T (p.C3069F) variant has been reported in at least 2 individuals with breast cancer (PMID 11802209, 33471991). This variant was also reported in 3 families with hereditary breast and/or ovarian cancer; statistical modeling suggests a lack of cosegregation with disease in these families (PMID: 34597585) . This variant was also reported in one individual with colorectal cancer who also carried a pathogenic variant in SMAD4 (PMID: 27978560). This variant has also been described c.9434G>T in the literature. This variant was observed in 1/113620 chromosomes in the Non-Finnish European population according to the Genome Aggregation Database (PMID: 32461654). This variant has been reported in ClinVar (Variation ID 141897). Functional studies have not been performed, and in silico predictions of the variant's effect on protein function are inconclusive. The evidence is insufficient to meet ACMG/AMP criteria for classifying the variant as benign or pathogenic. Thus, the clinical significance of this variant is currently uncertain.

Quest Diagnostics Nichols Institute San Juan Capistrano
Classification: Uncertain significance. Last evaluated: 2020-10-15. Review status: criteria provided, single submitter. Criteria: Quest Diagnostics criteria. Collection method: clinical testing. Allele origin: unknown.

GeneDx
Classification: Uncertain significance. Last evaluated: 2018-05-04. Review status: criteria provided, single submitter. Criteria: GeneDx Variant Classification (06012015). Collection method: clinical testing. Allele origin: germline. Affected: yes.
Comment: This variant is denoted BRCA2 c.9206G>T at the cDNA level, p.Cys3069Phe (C3069F) at the protein level, and results in the change of a Cysteine to a Phenylalanine (TGT>TTT). Using alternate nomenclature, this variant has been previously published as BRCA2 9434G>T. BRCA2 Cys3069Phe was not observed at a significant allele frequency in large population cohorts (Lek 2016). This variant is located in the DNA binding domain (Yang 2002). In silico analysis, which includes protein predictors and evolutionary conservation, supports that this variant does not alter protein structure/function. Based on currently available evidence, it is unclear whether BRCA2 Cys3069Phe is pathogenic or benign. We consider it to be a variant of uncertain significance.

Literature cited by the submitters: PubMed 11802209 (cited by 3 submitters); PubMed 34597585 (cited by 3 submitters); PubMed 27978560 (cited by 3 submitters); PubMed 31131967 (cited by Ambry Genetics and Color Diagnostics, LLC DBA Color Health); PubMed 37731153 (cited by Ambry Genetics); PubMed 33471991 (cited by Color Diagnostics, LLC DBA Color Health and Sema4); PubMed 21702907 (cited by Quest Diagnostics Nichols Institute San Juan Capistrano).